The following is an entry in ClinVar:

ClinVar aggregate classification (germline): Uncertain significance. Review status: criteria provided, multiple submitters, no conflicts (2 of 4 stars). 2 submissions from 2 submitters: Uncertain significance (2). Last evaluated 2026-01-01.

Submissions (2):

CeGaT Center for Human Genetics Tuebingen
Classification: Uncertain significance. Last evaluated: 2026-01-01. Review status: criteria provided, single submitter. Criteria: CeGaT Center For Human Genetics Tuebingen Variant Classification Criteria Version 2. Collection method: clinical testing. Allele origin: germline. Affected: yes. Observed: 1 variant allele.
Comment: PRPF3: PM2, PM1:Supporting, PP2, PP3

Labcorp Genetics (formerly Invitae), Labcorp
Classification: Uncertain significance. Last evaluated: 2019-09-07. Review status: criteria provided, single submitter. Criteria: Invitae Variant Classification Sherloc (09022015). Collection method: clinical testing. Allele origin: germline.
Comment: This sequence change replaces glutamic acid with lysine at codon 497 of the PRPF3 protein (p.Glu497Lys). The glutamic acid residue is highly conserved and there is a small physicochemical difference between glutamic acid and lysine. In summary, the available evidence is currently insufficient to determine the role of this variant in disease. Therefore, it has been classified as a Variant of Uncertain Significance. Algorithms developed to predict the effect of sequence changes on RNA splicing suggest that this variant may create or strengthen a splice site, but this prediction has not been confirmed by published transcriptional studies. Algorithms developed to predict the effect of missense changes on protein structure and function (SIFT, PolyPhen-2, Align-GVGD) all suggest that this variant is likely to be disruptive, but these predictions have not been confirmed by published functional studies and their clinical significance is uncertain. This variant has not been reported in the literature in individuals with PRPF3-related conditions. This variant is not present in population databases (ExAC no frequency).

NM_004698.4(PRPF3):c.1489G>A (p.Glu497Lys)

Gene: PRPF3 (pre-mRNA processing factor 3; plus strand). Cytogenetic location: 1q21.2.
Variant type: single nucleotide variant.
Coding change: c.1489G>A on transcript NM_004698.4 (MANE Select); coding-DNA position 1489, G replaced by A.
Protein change: p.Glu497Lys; replaces glutamic acid 497 with lysine.
Molecular consequence: missense variant. On other transcripts: non-coding transcript variant (4).
Genome position (GRCh38, 1-based): chr1:150,344,224, G>A. VCF-style: chr1-150344224-G-A. GRCh37 (hg19) VCF-style: chr1-150316700-G-A.
Other names: c.1084G>A, p.Glu362Lys (NM_001350529.1); short protein forms E362K, E497K.
Identifiers: ClinVar variation 933749 (VCV000933749.13), dbSNP rs1658062522, ClinGen allele CA342282326.
Genomic context (GRCh38, chr1:150,344,224, plus strand): 5'-AGAATTTCTAATTTGATGCGAGTATTAGGAACAGAAGCTGTTCAAGACCCCACGAAGGTA[G>A]AAGCCCACGTCAGAGCTCAGATGGCAAAAAGACAGAAGTAAGTGCCATGGGATTGGGTGG-3'
Protein context (NP_004689.1, residues 487-507): TEAVQDPTKV[Glu497Lys]AHVRAQMAKR